The following is an entry in ClinVar:

ClinVar aggregate classification (germline): Uncertain significance. Review status: criteria provided, multiple submitters, no conflicts (2 of 4 stars). 2 submissions from 2 submitters: Uncertain significance (2). Last evaluated 2023-11-27.

Allele frequency attached by ClinVar (database versions not stated): gnomAD exomes 0.00001; TOPMed 0.00001.
gnomAD v4.1: 3 of 1,614,072 alleles (0.00019%); highest among the groups gnomAD compares: Admixed American, 0.0017%; no homozygotes.

Submissions (2):

Labcorp Genetics (formerly Invitae), Labcorp
Classification: Uncertain significance. Last evaluated: 2023-11-27. Review status: criteria provided, single submitter. Criteria: Invitae Variant Classification Sherloc (09022015). Collection method: clinical testing. Allele origin: germline.
Comment: This sequence change replaces arginine, which is basic and polar, with glutamine, which is neutral and polar, at codon 406 of the SNRNP200 protein (p.Arg406Gln). The frequency data for this variant in the population databases is considered unreliable, as metrics indicate poor data quality at this position in the gnomAD database. This variant has not been reported in the literature in individuals affected with SNRNP200-related conditions. Advanced modeling of protein sequence and biophysical properties (such as structural, functional, and spatial information, amino acid conservation, physicochemical variation, residue mobility, and thermodynamic stability) performed at Invitae indicates that this missense variant is not expected to disrupt SNRNP200 protein function with a negative predictive value of 80%. In summary, the available evidence is currently insufficient to determine the role of this variant in disease. Therefore, it has been classified as a Variant of Uncertain Significance.

Blueprint Genetics
Classification: Uncertain significance. Last evaluated: 2020-02-06. Review status: criteria provided, single submitter. Criteria: ACMG Guidelines, 2015. Collection method: clinical testing. Allele origin: germline.

NM_014014.5(SNRNP200):c.1217G>A (p.Arg406Gln)

Gene: SNRNP200 (small nuclear ribonucleoprotein U5 subunit 200; minus strand). Cytogenetic location: 2q11.2.
Variant type: single nucleotide variant.
Coding change: c.1217G>A on transcript NM_014014.5 (MANE Select); coding-DNA position 1217, G replaced by A.
Protein change: p.Arg406Gln; replaces arginine 406 with glutamine.
Molecular consequence: missense variant.
Genome position (GRCh38, 1-based): chr2:96,297,523, C>T on the plus strand (G>A on the coding strand, the complement: SNRNP200 is on the minus strand). VCF-style: chr2-96297523-C-T. GRCh37 (hg19) VCF-style: chr2-96963261-C-T.
Other names: short protein forms R406Q.
Identifiers: ClinVar variation 2880523 (VCV002880523.4), dbSNP rs1236345019, ClinGen allele CA347683443.